The following is an entry in ClinVar:

ClinVar aggregate classification (germline): Uncertain significance (0 of 4 stars; one submission).

Conditions:
REV3L-related disorder. Also called: REV3L-related condition.

Submission:

PreventionGenetics, part of Exact Sciences
Classification: Uncertain significance for REV3L-related condition. Last evaluated: 2024-08-30. Review status: no assertion criteria provided. Collection method: clinical testing. Allele origin: germline.
Comment: The REV3L c.1595G>C variant is predicted to result in the amino acid substitution p.Ser532Thr. To our knowledge, this variant has not been reported in the literature or in a large population database, indicating this variant is rare. This variant could be pathogenic. However, at this time, the clinical significance of this variant is uncertain due to the absence of conclusive functional and genetic evidence.

NM_001372078.1(REV3L):c.1595G>C (p.Ser532Thr)

Gene: REV3L (REV3 like, DNA directed polymerase zeta catalytic subunit; minus strand). Cytogenetic location: 6q21.
Variant type: single nucleotide variant.
Coding change: c.1595G>C on transcript NM_001372078.1 (MANE Select); coding-DNA position 1595, G replaced by C.
Protein change: p.Ser532Thr; replaces serine 532 with threonine.
Molecular consequence: missense variant.
Genome position (GRCh38, 1-based): chr6:111,377,703, C>G on the plus strand (G>C on the coding strand, the complement: REV3L is on the minus strand). VCF-style: chr6-111377703-C-G. GRCh37 (hg19) VCF-style: chr6-111698906-C-G.
Other names: c.1361G>C, p.Ser454Thr (NM_001286431.2, NM_001286432.2); c.1595G>C, p.Ser532Thr (NM_002912.5); short protein forms S454T, S532T.
Identifiers: ClinVar variation 3345846 (VCV003345846.1).